The following is an entry in ClinVar:

ClinVar aggregate classification (germline): Likely pathogenic (1 of 4 stars; one submission).

Conditions:
ERCC6L2-related disorder. Also called: ERCC6L2-related condition.

Submission:

PreventionGenetics, part of Exact Sciences
Classification: Likely pathogenic for ERCC6L2-related condition. Last evaluated: 2026-08-25. Review status: criteria provided, single submitter. Criteria: ACMG Guidelines, 2015. Collection method: clinical testing. Allele origin: germline.
Comment: The ERCC6L2 c.1639-1G>C variant is predicted to disrupt the AG splice acceptor site and interfere with normal splicing. To our knowledge, this variant has not been reported in the literature or in a large population database (gnomAD), indicating this variant is rare. Variants that disrupt the consensus splice acceptor site in ERCC6L2 are expected to be pathogenic. This variant is interpreted as likely pathogenic.

NM_020207.7(ERCC6L2):c.1606-1G>C

Gene: ERCC6L2 (ERCC excision repair 6 like 2; plus strand). Cytogenetic location: 9q22.32.
Variant type: single nucleotide variant.
Coding change: c.1606-1G>C on transcript NM_020207.7 (MANE Select); the canonical splice acceptor site of the intron before coding-DNA position 1606, G replaced by C.
Molecular consequence: splice acceptor variant.
Genome position (GRCh38, 1-based): chr9:95,928,718, G>C. VCF-style: chr9-95928718-G-C. GRCh37 (hg19) VCF-style: chr9-98691000-G-C.
Other names: c.1606-1G>C (NM_001375291.1, NM_001375292.1, NM_001375294.1 and 2 more transcripts).
Identifiers: ClinVar variation 4996027 (VCV004996027.1).